The following is an entry in ClinVar:

NM_006885.4(ZFHX3):c.10831C>T (p.His3611Tyr)

Genes: ZFHX3 (zinc finger homeobox 3; minus strand), ZFHX3-AS1 (ZFHX3 antisense RNA 1; plus strand). Cytogenetic location: 16q22.2.
Variant type: single nucleotide variant.
Coding change: c.10831C>T on transcript NM_006885.4 (MANE Select); coding-DNA position 10831, C replaced by T.
Protein change: p.His3611Tyr; replaces histidine 3611 with tyrosine.
Molecular consequence: missense variant.
Genome position (GRCh38, 1-based): chr16:72,787,445, G>A on the plus strand (C>T on the coding strand, the complement: ZFHX3 is on the minus strand). VCF-style: chr16-72787445-G-A. GRCh37 (hg19) VCF-style: chr16-72821344-G-A.
Other names: c.8089C>T, p.His2697Tyr (NM_001164766.2); short protein forms H2697Y, H3611Y.
Identifiers: ClinVar variation 769903 (VCV000769903.17), dbSNP rs200992486, ClinGen allele CA8162272.
Genomic context (GRCh38, chr16:72,787,445, plus strand): 5'-AAGGGGGCTTCGCTGCCGAAGCCCGGGAGACCACTTGCGGCCAAGACTTCCTGGAGGCGT[G>A]GGGGGAAGCGGAGGAGGGGGCGGCGGCCGACGGGGGAGGGGGGCTGTCGTTTGAGTGAGC-3'
Protein context (NP_008816.3, residues 3601-3621): SAAAPSSASP[His3611Tyr]ASRKSWPQVV

ClinVar aggregate classification (germline): Benign. Review status: criteria provided, multiple submitters, no conflicts (2 of 4 stars). 4 submissions from 4 submitters: Benign (3). 1 of the submissions does not count toward it. Last evaluated 2026-09-01.

Conditions:
ZFHX3-related disorder. Also called: ZFHX3-related condition.

Allele frequency attached by ClinVar (database versions not stated): 1000 Genomes Project 30x 0.00437; ESP Exome Variant Server 0.00476; 1000 Genomes Project 0.00479; gnomAD 0.00496; TOPMed 0.00693.
gnomAD v4.1: 12,613 of 1,604,088 alleles (0.79%); highest among the groups gnomAD compares: Admixed American, 1.4%; 78 homozygotes.

Submissions (4):

CeGaT Center for Human Genetics Tuebingen
Classification: Benign. Last evaluated: 2026-09-01. Review status: criteria provided, single submitter. Criteria: CeGaT Center For Human Genetics Tuebingen Variant Classification Criteria Version 2. Collection method: clinical testing. Allele origin: germline. Affected: yes. Observed: 15 variant alleles.
Comment: ZFHX3: BS1, BS2

Labcorp Genetics (formerly Invitae), Labcorp
Classification: Benign. Last evaluated: 2019-12-31. Review status: criteria provided, single submitter. Criteria: Invitae Variant Classification Sherloc (09022015). Collection method: clinical testing. Allele origin: germline.

Breakthrough Genomics
Classification: Benign. Review status: criteria provided, single submitter. Criteria: ACMG Guidelines, 2015. Collection method: not provided. Allele origin: germline. Inheritance: Autosomal dominant inheritance. Affected: yes.

PreventionGenetics, part of Exact Sciences
Classification: Benign for ZFHX3-related condition. Last evaluated: 2019-06-06. Review status: no assertion criteria provided. Collection method: clinical testing. Allele origin: germline. Not counted in ClinVar's aggregate classification.
Comment: This variant is classified as benign based on ACMG/AMP sequence variant interpretation guidelines (Richards et al. 2015 PMID: 25741868, with internal and published modifications).